The following is an entry in ClinVar:

ClinVar aggregate classification (germline): Uncertain significance. Review status: criteria provided, multiple submitters, no conflicts (2 of 4 stars). 3 submissions from 3 submitters: Uncertain significance (3). Last evaluated 2025-08-20.

Conditions:
Inborn genetic diseases. Identifiers: MedGen C0950123, MeSH D030342.

Allele frequency attached by ClinVar (database versions not stated): ExAC 0.00003; TOPMed 0.00005; gnomAD 0.00008.
gnomAD v4.1: 83 of 1,613,114 alleles (0.0051%); highest among the groups gnomAD compares: Middle Eastern, 0.033%; no homozygotes.

Submissions (3):

Ambry Genetics
Classification: Uncertain significance for Inborn genetic diseases. Last evaluated: 2025-08-20. Review status: criteria provided, single submitter. Criteria: Ambry Variant Classification Scheme 2023. Collection method: clinical testing. Allele origin: germline.

Blueprint Genetics
Classification: Uncertain significance. Last evaluated: 2024-06-27. Review status: criteria provided, single submitter. Criteria: ACMG Guidelines, 2015. Collection method: clinical testing. Allele origin: germline.

Labcorp Genetics (formerly Invitae), Labcorp
Classification: Uncertain significance. Last evaluated: 2022-10-05. Review status: criteria provided, single submitter. Criteria: Invitae Variant Classification Sherloc (09022015). Collection method: clinical testing. Allele origin: germline.
Comment: This sequence change replaces arginine, which is basic and polar, with tryptophan, which is neutral and slightly polar, at codon 274 of the MECR protein (p.Arg274Trp). This variant is present in population databases (rs746692331, gnomAD 0.01%). This variant has not been reported in the literature in individuals affected with MECR-related conditions. Advanced modeling of protein sequence and biophysical properties (such as structural, functional, and spatial information, amino acid conservation, physicochemical variation, residue mobility, and thermodynamic stability) performed at Invitae indicates that this missense variant is expected to disrupt MECR protein function. Algorithms developed to predict the effect of sequence changes on RNA splicing suggest that this variant may disrupt the consensus splice site. In summary, the available evidence is currently insufficient to determine the role of this variant in disease. Therefore, it has been classified as a Variant of Uncertain Significance.

NM_016011.5(MECR):c.820C>T (p.Arg274Trp)

Gene: MECR (mitochondrial trans-2-enoyl-CoA reductase; minus strand). Cytogenetic location: 1p35.3.
Variant type: single nucleotide variant.
Coding change: c.820C>T on transcript NM_016011.5 (MANE Select); coding-DNA position 820, C replaced by T.
Protein change: p.Arg274Trp; replaces arginine 274 with tryptophan.
Molecular consequence: missense variant. On other transcripts: non-coding transcript variant (4).
Genome position (GRCh38, 1-based): chr1:29,200,526, G>A on the plus strand (C>T on the coding strand, the complement: MECR is on the minus strand). VCF-style: chr1-29200526-G-A. GRCh37 (hg19) VCF-style: chr1-29527038-G-A.
Other names: c.592C>T, p.Arg198Trp (NM_001024732.4, NM_001349711.2, NM_001349712.2 and 2 more transcripts); c.925C>T, p.Arg309Trp (NM_001349715.2); c.904C>T, p.Arg302Trp (NM_001349716.2); c.670C>T, p.Arg224Trp (NM_001349717.2); c.820C>T (NM_016011.2); short protein forms R309W, R198W, R224W, R274W, R302W.
Identifiers: ClinVar variation 2414914 (VCV002414914.5), dbSNP rs746692331, ClinGen allele CA725655.